The following is an entry in ClinVar:

NM_001458.5(FLNC):c.5021_5023del (p.Gly1674del)

Gene: FLNC (filamin C; plus strand). Cytogenetic location: 7q32.1.
Variant type: Deletion.
Coding change: c.5021_5023del on transcript NM_001458.5 (MANE Select); coding-DNA positions 5021 to 5023, 3 bases deleted (GTG; older notation c.5021_5023delGTG).
Protein change: p.Gly1674del; deletes glycine 1674.
Molecular consequence: inframe deletion.
Genome position (GRCh38, 1-based): chr7:128,849,400-128,849,402, GTG deleted; deleting any 3 consecutive bases within chr7:128,849,399-128,849,402 gives the same sequence; the c. name uses the placement nearest the transcript's 3' end. VCF-style (leftmost placement, unchanged base first): chr7-128849398-CGGT-C. GRCh37 (hg19) VCF-style: chr7-128489452-CGGT-C.
Other names: c.5021_5023del, p.Gly1674del (NM_001127487.2); short protein forms G1674del.
Identifiers: ClinVar variation 2100781 (VCV002100781.4), dbSNP rs2536650405, ClinGen allele CA2580076543.

ClinVar aggregate classification (germline): Uncertain significance (1 of 4 stars; one submission).

Conditions:
Distal myopathy with posterior leg and anterior hand involvement. Also called: WILLIAMS DISTAL MYOPATHY. Identifiers: Orphanet 63273, MedGen C3279722, MONDO:0013550, OMIM 614065.
Myofibrillar myopathy 5. Also called: Filaminopathy (type); FILAMINOPATHY, AUTOSOMAL DOMINANT. Identifiers: Orphanet 171445, MedGen C1836050, MONDO:0012289, OMIM 609524.
Hypertrophic cardiomyopathy 26. Also called: Cardiomyopathy, familial hypertrophic, 26. Identifiers: Orphanet 75249, MedGen C4310749, MONDO:0014883, OMIM 617047.

Submission:

Labcorp Genetics (formerly Invitae), Labcorp
Classification: Uncertain significance for Distal myopathy with posterior leg and anterior hand involvement; Myofibrillar myopathy 5; Hypertrophic cardiomyopathy 26. Last evaluated: 2022-02-21. Review status: criteria provided, single submitter. Criteria: Invitae Variant Classification Sherloc (09022015). Collection method: clinical testing. Allele origin: germline.
Comment: In summary, the available evidence is currently insufficient to determine the role of this variant in disease. Therefore, it has been classified as a Variant of Uncertain Significance. Experimental studies and prediction algorithms are not available or were not evaluated, and the functional significance of this variant is currently unknown. This variant has not been reported in the literature in individuals affected with FLNC-related conditions. This variant is not present in population databases (gnomAD no frequency). This variant, c.5021_5023del, results in the deletion of 1 amino acid(s) of the FLNC protein (p.Gly1674del), but otherwise preserves the integrity of the reading frame.